The following is an entry in ClinVar:

ClinVar aggregate classification (germline): Uncertain significance (1 of 4 stars; one submission).

Conditions:
Hereditary cancer-predisposing syndrome. Also called: Neoplastic Syndromes, Hereditary; Tumor predisposition; Hereditary neoplastic syndrome; Hereditary Cancer Syndrome. Identifiers: Orphanet 140162, MedGen C0027672, MeSH D009386, MONDO:0015356.

Allele frequency attached by ClinVar (database versions not stated): TOPMed below 0.00001; gnomAD 0.00001.
gnomAD v4.1: 1 of 1,614,000 alleles (0.000062%); highest among the groups gnomAD compares: Non-Finnish European, 0.000085%; no homozygotes.

Submission:

Ambry Genetics
Classification: Uncertain significance for Hereditary cancer-predisposing syndrome. Last evaluated: 2024-02-23. Review status: criteria provided, single submitter. Criteria: Ambry Variant Classification Scheme 2023. Collection method: clinical testing. Allele origin: germline.
Comment: The p.I264V variant (also known as c.790A>G), located in coding exon 8 of the NF2 gene, results from an A to G substitution at nucleotide position 790. The isoleucine at codon 264 is replaced by valine, an amino acid with highly similar properties. This amino acid position is well conserved in available vertebrate species. In addition, the in silico prediction for this alteration is inconclusive. Based on the available evidence, the clinical significance of this alteration remains unclear.

NM_000268.4(NF2):c.790A>G (p.Ile264Val)

Gene: NF2 (NF2, moesin-ezrin-radixin like (MERLIN) tumor suppressor; plus strand). Cytogenetic location: 22q12.2.
Variant type: single nucleotide variant.
Coding change: c.790A>G on transcript NM_000268.4 (MANE Select); coding-DNA position 790, A replaced by G.
Protein change: p.Ile264Val; replaces isoleucine 264 with valine.
Molecular consequence: missense variant. On other transcripts: non-coding transcript variant (1), intron variant (4).
Genome position (GRCh38, 1-based): chr22:29,661,319, A>G. VCF-style: chr22-29661319-A-G. GRCh37 (hg19) VCF-style: chr22-30057308-A-G.
Other names: c.676A>G, p.Ile226Val (NM_001407053.1, NM_001407056.1); c.667A>G, p.Ile223Val (NM_001407054.1, NM_001407058.1, NM_181829.3); c.664A>G, p.Ile222Val (NM_001407055.1, NM_181828.3); c.790A>G, p.Ile264Val (NM_001407060.1, NM_001407066.1, NM_016418.5 and 2 more transcripts); c.541A>G, p.Ile181Val (NM_001407063.1, NM_001407064.1, NM_181830.3 and 1 more transcripts); c.256A>G, p.Ile86Val (NM_001407065.1); c.559A>G, p.Ile187Val (NM_001407067.1); c.675+3055A>G (NM_001407059.1, NM_001407057.1); and 2 more; short protein forms I181V, I187V, I222V, I223V, I226V, I264V, I86V.
Identifiers: ClinVar variation 3231109 (VCV003231109.1), dbSNP rs1255835564, ClinGen allele CA411144118.